The following is an entry in ClinVar:

ClinVar aggregate classification (germline): Uncertain significance (1 of 4 stars; one submission).

Conditions:
RYR1-related disorder. Also called: RYR1-related condition; RYR1-related disorders. Identifiers: MedGen CN239331.

Submission:

Labcorp Genetics (formerly Invitae), Labcorp
Classification: Uncertain significance for RYR1-related disorder. Last evaluated: 2025-03-28. Review status: criteria provided, single submitter. Criteria: Invitae Variant Classification Sherloc (09022015). Collection method: clinical testing. Allele origin: germline.
Comment: This sequence change replaces cysteine, which is neutral and slightly polar, with arginine, which is basic and polar, at codon 3165 of the RYR1 protein (p.Cys3165Arg). This variant is not present in population databases (gnomAD no frequency). This variant has not been reported in the literature in individuals affected with RYR1-related conditions. Invitae Evidence Modeling of protein sequence and biophysical properties (such as structural, functional, and spatial information, amino acid conservation, physicochemical variation, residue mobility, and thermodynamic stability) indicates that this missense variant is expected to disrupt RYR1 protein function with a positive predictive value of 80%. In summary, the available evidence is currently insufficient to determine the role of this variant in disease. Therefore, it has been classified as a Variant of Uncertain Significance.

NM_000540.3(RYR1):c.9493T>C (p.Cys3165Arg)

Gene: RYR1 (ryanodine receptor 1; plus strand). Cytogenetic location: 19q13.2.
Variant type: single nucleotide variant.
Coding change: c.9493T>C on transcript NM_000540.3 (MANE Select); coding-DNA position 9493, T replaced by C.
Protein change: p.Cys3165Arg; replaces cysteine 3165 with arginine.
Molecular consequence: missense variant.
Genome position (GRCh38, 1-based): chr19:38,515,046, T>C. VCF-style: chr19-38515046-T-C. GRCh37 (hg19) VCF-style: chr19-39005686-T-C.
Other names: c.9493T>C, p.Cys3165Arg (NM_001042723.2); short protein forms C3165R.
Identifiers: ClinVar variation 4808211 (VCV004808211.1).
Genomic context (GRCh38, chr19:38,515,046, plus strand): 5'-TGTGAGCGCATGCCGCAGCCTCGCCCCCTGTCTCCCTCAGTGGACGACGTCCAGGTCTCT[T>C]GCTACCGAACGCTGTGCAGTATCTACTCCCTGGGAACCACCAAGAACACTTATGTGGAAA-3'
Protein context (NP_000531.2, residues 3155-3175): DVILDDVQVS[Cys3165Arg]YRTLCSIYSL